The following is an entry in ClinVar:

NM_152594.3(SPRED1):c.304dup (p.Thr102fs)

Gene: SPRED1 (sprouty related EVH1 domain containing 1; plus strand). Cytogenetic location: 15q14.
Variant type: Duplication.
Coding change: c.304dup on transcript NM_152594.3 (MANE Select); coding-DNA position 304, one base duplicated (A; older notation c.304dupA).
Protein change: p.Thr102fs; shifts the reading frame from threonine 102.
Molecular consequence: frameshift variant.
Genome position (GRCh38, 1-based): chr15:38,322,337, A duplicated. VCF-style (leftmost placement, unchanged base first): chr15-38322336-T-TA. GRCh37 (hg19) VCF-style: chr15-38614537-T-TA.
Other names: c.304dupA (NM_152594.2); c.304dup (NM_152594.2); short protein forms T102fs.
Identifiers: ClinVar variation 536688 (VCV000536688.16), dbSNP rs1555391053, ClinGen allele CA489921765.

ClinVar aggregate classification (germline): Pathogenic. Review status: criteria provided, multiple submitters, no conflicts (2 of 4 stars). 5 submissions from 5 submitters: Pathogenic (5). Last evaluated 2026-02-04.

Conditions:
Noonan syndrome and Noonan-related syndrome. Identifiers: Orphanet 98733, MedGen C5681679, MONDO:0020297.
Cardiovascular phenotype. Identifiers: MedGen CN230736.
Legius syndrome. Identifiers: Orphanet 137605, MedGen C1969623, MONDO:0012669, OMIM 611431. Disease mechanism: loss of function.

Allele frequency attached by ClinVar (database versions not stated): gnomAD 0.00001; TOPMed below 0.00001.

Submissions (5):

Ambry Genetics
Classification: Pathogenic for Cardiovascular phenotype. Last evaluated: 2026-02-04. Review status: criteria provided, single submitter. Criteria: Ambry Variant Classification Scheme 2023. Collection method: clinical testing. Allele origin: germline.
Comment: The c.304dupA (p.T102Nfs*7) alteration, located in exon 3 (coding exon 3) of the SPRED1 gene, consists of a duplication of A at position 304, causing a translational frameshift with a predicted alternate stop codon after 7 amino acids. This variant is expected to result in loss of function by premature protein truncation or nonsense-mediated mRNA decay. This variant was not reported in population-based cohorts in the Genome Aggregation Database (gnomAD). This variant was reported in individual(s) with features consistent with Legius syndrome (Denayer, 2011; Spencer, 2011; Evans, 2016; Paixao, 2023; Chelleri, 2024). Based on the available evidence, this alteration is classified as pathogenic.

Labcorp Genetics (formerly Invitae), Labcorp
Classification: Pathogenic for Legius syndrome. Last evaluated: 2025-10-28. Review status: criteria provided, single submitter. Criteria: Invitae Variant Classification Sherloc (09022015). Collection method: clinical testing. Allele origin: germline.
Comment: This sequence change creates a premature translational stop signal (p.Thr102Asnfs*7) in the SPRED1 gene. It is expected to result in an absent or disrupted protein product. Loss-of-function variants in SPRED1 are known to be pathogenic (PMID: 17704776). This variant is not present in population databases (gnomAD no frequency). This premature translational stop signal has been observed in individual(s) with Legius syndrome (PMID: 21089071). Invitae Evidence Modeling of clinical and family history, age, sex, and reported ancestry of multiple individuals with this SPRED1 variant has been performed. This variant is expected to be pathogenic with a positive predictive value of at least 99%. This is a validated machine learning model that incorporates the clinical features of 198,265 individuals referred to our laboratory for SPRED1 testing. ClinVar contains an entry for this variant (Variation ID: 536688). For these reasons, this variant has been classified as Pathogenic.

GeneDx
Classification: Pathogenic. Last evaluated: 2023-07-27. Review status: criteria provided, single submitter. Criteria: GeneDx Variant Classification Process June 2021. Collection method: clinical testing. Allele origin: germline. Affected: yes.
Comment: Frameshift variant predicted to result in protein truncation or nonsense mediated decay in a gene for which loss of function is a known mechanism of disease; Not observed at significant frequency in large population cohorts (gnomAD); This variant is associated with the following publications: (PMID: 17704776, 21548021, 27322474, 22753041, 28747691, 21089071)

Genome Diagnostics Laboratory, The Hospital for Sick Children
Classification: Pathogenic for Noonan syndrome and Noonan-related syndrome. Last evaluated: 2020-09-25. Review status: criteria provided, single submitter. Criteria: ACMG Guidelines, 2015. Collection method: clinical testing. Allele origin: germline. Affected: yes.

Center for Human Genetics, Inc
Classification: Pathogenic for Legius syndrome. Last evaluated: 2016-11-01. Review status: criteria provided, single submitter. Criteria: ACMG Guidelines, 2015. Collection method: clinical testing. Allele origin: germline. Affected: yes.

Literature cited by the submitters: PubMed 21089071 (cited by Ambry Genetics and Labcorp Genetics (formerly Invitae), Labcorp); PubMed 21548021 (cited by Ambry Genetics); PubMed 27322474 (cited by Ambry Genetics); PubMed 37927732 (cited by Ambry Genetics); PubMed 39031930 (cited by Ambry Genetics); PubMed 17704776 (cited by Labcorp Genetics (formerly Invitae), Labcorp).